The following is an entry in ClinVar:

NM_000051.4(ATM):c.3511C>T (p.Gln1171Ter)

Gene: ATM (ATM serine/threonine kinase; plus strand). Cytogenetic location: 11q22.3.
Variant type: single nucleotide variant.
Coding change: c.3511C>T on transcript NM_000051.4 (MANE Select); coding-DNA position 3511, C replaced by T.
Protein change: p.Gln1171Ter; replaces glutamine 1171 with a stop codon.
Molecular consequence: nonsense.
Genome position (GRCh38, 1-based): chr11:108,281,103, C>T. VCF-style: chr11-108281103-C-T. GRCh37 (hg19) VCF-style: chr11-108151830-C-T.
Other names: c.3511C>T, p.Gln1171Ter (NM_001351834.2); short protein forms Q1171*.
Identifiers: ClinVar variation 231278 (VCV000231278.35), dbSNP rs876659067, ClinGen allele CA10579109.

ClinVar aggregate classification (germline): Pathogenic. Review status: criteria provided, multiple submitters, no conflicts (2 of 4 stars). 7 submissions from 7 submitters: Pathogenic (5). 2 of the submissions do not count toward it. Last evaluated 2025-08-25.

Conditions:
Hereditary cancer-predisposing syndrome. Also called: Hereditary neoplastic syndrome; Neoplastic Syndromes, Hereditary; Tumor predisposition; Hereditary Cancer Syndrome. Identifiers: Orphanet 140162, MedGen C0027672, MeSH D009386, MONDO:0015356.
Familial cancer of breast. Also called: Hereditary breast cancer; BREAST CANCER, FAMILIAL; hereditary breast carcinoma. Identifiers: Orphanet 227535, MedGen C0346153, MONDO:0016419, OMIM 114480. Disease mechanism: loss of function.
Ataxia-telangiectasia syndrome (AT). Also called: ATAXIA-TELANGIECTASIA, COMPLEMENTATION GROUP A; ATAXIA-TELANGIECTASIA, FRESNO VARIANT; Ataxia-telangiectasia; LOUIS-BAR SYNDROME; Cerebello-oculocutaneous telangiectasia; Immunodeficiency with ataxia telangiectasia. Identifiers: Orphanet 100, MedGen C0004135, MONDO:0008840, OMIM 208900.

Submissions (7):

Variantyx, Inc.
Classification: Pathogenic for Ataxia-telangiectasia syndrome. Last evaluated: 2025-08-25. Review status: criteria provided, single submitter. Criteria: Variantyx Assertion Criteria 2022. Collection method: clinical testing. Allele origin: germline. Inheritance: Autosomal recessive inheritance.
Comment: This is a nonsense variant in the ATM gene (OMIM: 607585). Pathogenic variants in this gene have been associated with autosomal recessive ataxia telangiectasia. This variant introduces a premature termination codon in exon 24 out of 63 and is expected to result in loss of function, which is a known disease mechanism for ATM in this disorder (PMID: 38416404) (PVS1). This variant is absent from control populations (PM2). Based on the current evidence, this variant is classified as pathogenic for autosomal recessive ataxia telangiectasia.

Ambry Genetics
Classification: Pathogenic for Hereditary cancer-predisposing syndrome. Last evaluated: 2024-03-20. Review status: criteria provided, single submitter. Criteria: Ambry Variant Classification Scheme 2023. Collection method: clinical testing. Allele origin: germline.
Comment: The p.Q1171* pathogenic mutation (also known as c.3511C>T), located in coding exon 23 of the ATM gene, results from a C to T substitution at nucleotide position 3511. This changes the amino acid from a glutamine to a stop codon within coding exon 23. This mutation was observed in a cohort of 8085 unselected Chinese breast cancer patients who underwent multi-gene panel testing (Sun J et al. Clin. Cancer Res. 2017 Jul;doi: 10.1158/1078-0432.CCR-16-3227. [Epub ahead of print]). It was also reported in conjunction with another ATM alteration in an individual with ataxia telangiectasia, resulting in decreased expression of ATM protein and increased radiosensitivity measured by a cell colony survival assay (Becker-Catania SG et al. Mol. Genet. Metab. 2000 Jun; 70(2):122-33). This variant is considered to be rare based on population cohorts in the Genome Aggregation Database (gnomAD). In addition to the clinical data presented in the literature, this alteration is expected to result in loss of function by premature protein truncation or nonsense-mediated mRNA decay. As such, this alteration is interpreted as a disease-causing mutation.

Labcorp Genetics (formerly Invitae), Labcorp
Classification: Pathogenic for Ataxia-telangiectasia syndrome. Last evaluated: 2024-02-01. Review status: criteria provided, single submitter. Criteria: Invitae Variant Classification Sherloc (09022015). Collection method: clinical testing. Allele origin: germline.
Comment: This sequence change creates a premature translational stop signal (p.Gln1171*) in the ATM gene. It is expected to result in an absent or disrupted protein product. Loss-of-function variants in ATM are known to be pathogenic (PMID: 23807571, 25614872). This variant is not present in population databases (gnomAD no frequency). This premature translational stop signal has been observed in individual(s) with breast cancer and ataxia-telangiectasia (PMID: 10873394, 22071889, 28724667). ClinVar contains an entry for this variant (Variation ID: 231278). Algorithms developed to predict the effect of sequence changes on RNA splicing suggest that this variant may disrupt the consensus splice site. For these reasons, this variant has been classified as Pathogenic.

Myriad Genetics, Inc.
Classification: Pathogenic for Familial cancer of breast. Last evaluated: 2024-01-22. Review status: criteria provided, single submitter. Criteria: Myriad Autosomal Dominant, Autosomal Recessive and X-Linked Classification Criteria (2023). Collection method: clinical testing. Allele origin: unknown.
Comment: This variant is considered pathogenic. This variant creates a termination codon and is predicted to result in premature protein truncation.

Color Diagnostics, LLC DBA Color Health
Classification: Pathogenic for Hereditary cancer-predisposing syndrome. Last evaluated: 2023-03-29. Review status: criteria provided, single submitter. Criteria: ACMG Guidelines, 2015. Collection method: clinical testing. Allele origin: germline.
Comment: This variant changes 1 nucleotide in exon 24 of the ATM gene, creating a premature translation stop signal. This variant is expected to result in an absent or non-functional protein product. Functional studies have shown that this variant reduced ATM protein expression, increased alpha-fetoprotein, and resulted in radiosensitivity (PMID: 10873394, 22071889). This variant has been reported in the compound heterozygous state in individuals affected with ataxia-telangiectasia (PMID: 10873394, 22071889). This variant has also been reported in individuals affected with breast cancer (PMID: 28724667, 30607632, 33471991) and high-grade serous ovarian cancer (PMID: 36000185). This variant has not been identified in the general population by the Genome Aggregation Database (gnomAD). Loss of ATM function is a known mechanism of disease. Based on the available evidence, this variant is classified as Pathogenic.

BRCAlab, Lund University
Classification: Pathogenic for Familial cancer of breast. Last evaluated: 2022-08-26. Review status: no assertion criteria provided. Collection method: clinical testing. Allele origin: germline. Affected: yes. Not counted in ClinVar's aggregate classification.

Natera, Inc.
Classification: Pathogenic for Ataxia-telangiectasia. Last evaluated: 2020-09-16. Review status: no assertion criteria provided. Collection method: clinical testing. Allele origin: germline. Not counted in ClinVar's aggregate classification.

Literature cited by the submitters: PubMed 38416404 (cited by Variantyx, Inc.); PubMed 22071889 (cited by 4 submitters); PubMed 10873394 (cited by 4 submitters); PubMed 28724667 (cited by 3 submitters); PubMed 23807571 (cited by Labcorp Genetics (formerly Invitae), Labcorp); PubMed 25614872 (cited by Labcorp Genetics (formerly Invitae), Labcorp); PubMed 30607632 (cited by Color Diagnostics, LLC DBA Color Health); PubMed 33471991 (cited by Color Diagnostics, LLC DBA Color Health); PubMed 36000185 (cited by Color Diagnostics, LLC DBA Color Health).